The following is an entry in ClinVar:

NM_000448.3(RAG1):c.1612_1624del (p.Ile538fs)

Gene: RAG1 (recombination activating 1; plus strand). Cytogenetic location: 11p12.
Variant type: Deletion.
Coding change: c.1612_1624del on transcript NM_000448.3 (MANE Select); coding-DNA positions 1612 to 1624, 13 bases deleted (ATTGATGGGCTGT).
Protein change: p.Ile538fs; shifts the reading frame from isoleucine 538.
Molecular consequence: frameshift variant.
Genome position (GRCh38, 1-based): chr11:36,574,916-36,574,928, ATTGATGGGCTGT deleted; deleting any 13 consecutive bases within chr11:36,574,915-36,574,928 gives the same sequence; the c. name uses the placement nearest the transcript's 3' end. VCF-style (leftmost placement, unchanged base first): chr11-36574914-TTATTGATGGGCTG-T. GRCh37 (hg19) VCF-style: chr11-36596464-TTATTGATGGGCTG-T.
Other names: c.1612_1624del, p.Ile538fs (NM_001377277.1, NM_001377278.1, NM_001377279.1 and 1 more transcripts); c.1611_1623del (NM_001377278.1); short protein forms I538fs.
Identifiers: ClinVar variation 13150 (VCV000013150.5), dbSNP rs749256215, ClinGen allele CA5950160.

ClinVar aggregate classification (germline): Pathogenic. Review status: criteria provided, multiple submitters, no conflicts (2 of 4 stars). 3 submissions from 3 submitters: Pathogenic (2). 1 of the submissions does not count toward it. Last evaluated 2024-01-06.

Conditions:
Severe combined immunodeficiency, autosomal recessive, T cell-negative, B cell-negative, NK cell-positive. Also called: SCID, AR, T-cell negative, B-cell negative, NK cell-positive; Severe combined immunodeficiency due to complete RAG1/2 deficiency; SCID, T CELL-NEGATIVE, B CELL-NEGATIVE, NK CELL-POSITIVE. Identifiers: Orphanet 331206, MedGen C1832322, MONDO:0011086, OMIM 601457.
Combined immunodeficiency with skin granulomas. Identifiers: Orphanet 157949, MedGen C2673536, MONDO:0009306, OMIM 233650.
Combined immunodeficiency due to partial RAG1 deficiency. Identifiers: Orphanet 231154, MedGen C1835931, MONDO:0012359, OMIM 609889.
Histiocytic medullary reticulosis. Also called: SEVERE COMBINED IMMUNODEFICIENCY WITH HYPEREOSINOPHILIA; Omenn syndrome. Identifiers: Orphanet 39041, MedGen C2700553, MONDO:0011338, OMIM 603554.

Submissions (3):

Labcorp Genetics (formerly Invitae), Labcorp
Classification: Pathogenic for Combined immunodeficiency with skin granulomas; Severe combined immunodeficiency, autosomal recessive, T cell-negative, B cell-negative, NK cell-positive. Last evaluated: 2024-01-06. Review status: criteria provided, single submitter. Criteria: Invitae Variant Classification Sherloc (09022015). Collection method: clinical testing. Allele origin: germline.
Comment: This sequence change creates a premature translational stop signal (p.Ile538Leufs*29) in the RAG1 gene. While this is not anticipated to result in nonsense mediated decay, it is expected to disrupt the last 506 amino acid(s) of the RAG1 protein. This variant is present in population databases (rs749256215, gnomAD 0.002%). This premature translational stop signal has been observed in individual(s) with Omenn syndrome (PMID: 9630231). In at least one individual the data is consistent with being in trans (on the opposite chromosome) from a pathogenic variant. This variant is also known as deletion 1723–1735. ClinVar contains an entry for this variant (Variation ID: 13150). For these reasons, this variant has been classified as Pathogenic.

Baylor Genetics
Classification: Pathogenic for Combined immunodeficiency due to partial RAG1 deficiency. Last evaluated: 2023-05-09. Review status: criteria provided, single submitter. Criteria: ACMG Guidelines, 2015. Collection method: clinical testing. Allele origin: unknown.

OMIM
Classification: Pathogenic for OMENN SYNDROME. Last evaluated: 1998-05-29. Review status: no assertion criteria provided. Collection method: literature only. Allele origin: germline. Not counted in ClinVar's aggregate classification.

Literature cited by the submitters: PubMed 9630231 (cited by Labcorp Genetics (formerly Invitae), Labcorp and OMIM).